The following is an entry in ClinVar:

NM_000545.8(HNF1A):c.521C>T (p.Ala174Val)

Gene: HNF1A (HNF1 homeobox A; plus strand). Cytogenetic location: 12q24.31.
Variant type: single nucleotide variant.
Coding change: c.521C>T on transcript NM_000545.8 (MANE Select); coding-DNA position 521, C replaced by T.
Protein change: p.Ala174Val; replaces alanine 174 with valine.
Molecular consequence: missense variant.
Genome position (GRCh38, 1-based): chr12:120,989,027, C>T. VCF-style: chr12-120989027-C-T. GRCh37 (hg19) VCF-style: chr12-121426830-C-T.
Other names: c.521C>T, p.Ala174Val (NM_001306179.2); c.521C>T (NM_000545.6); short protein forms A174V.
Identifiers: ClinVar variation 435429 (VCV000435429.29), dbSNP rs201934320, ClinGen allele CA6831766.

ClinVar aggregate classification (germline): Conflicting classifications of pathogenicity. Review status: criteria provided, conflicting classifications (1 of 4 stars). 5 submissions from 5 submitters: Uncertain significance (2); Likely benign (3). Last evaluated 2025-12-08.

Allele frequency attached by ClinVar (database versions not stated): gnomAD exomes 0.00006 and 0.00020; ExAC 0.00012; gnomAD 0.00012 and 0.00013; TOPMed 0.00012; 1000 Genomes Project 30x 0.00016; 1000 Genomes Project 0.00020.
gnomAD v4.1: 119 of 1,614,080 alleles (0.0074%); highest among the groups gnomAD compares: Admixed American, 0.065%; no homozygotes.

Submissions (5):

Labcorp Genetics (formerly Invitae), Labcorp
Classification: Likely benign. Last evaluated: 2025-12-08. Review status: criteria provided, single submitter. Criteria: Invitae Variant Classification Sherloc (09022015). Collection method: clinical testing. Allele origin: germline.

CeGaT Center for Human Genetics Tuebingen
Classification: Uncertain significance. Last evaluated: 2025-01-01. Review status: criteria provided, single submitter. Criteria: CeGaT Center For Human Genetics Tuebingen Variant Classification Criteria Version 2. Collection method: clinical testing. Allele origin: germline. Affected: yes. Observed: 1 variant allele.
Comment: HNF1A: PM2

Blueprint Genetics
Classification: Likely benign. Last evaluated: 2024-04-25. Review status: criteria provided, single submitter. Criteria: ACMG Guidelines, 2015. Collection method: clinical testing. Allele origin: germline.

Women's Health and Genetics/Laboratory Corporation of America, LabCorp
Classification: Likely benign. Last evaluated: 2023-06-08. Review status: criteria provided, single submitter. Criteria: LabCorp Variant Classification Summary - May 2015. Collection method: clinical testing. Allele origin: germline.
Comment: Variant summary: HNF1A c.521C>T (p.Ala174Val) results in a non-conservative amino acid change in the encoded protein sequence. Three of five in-silico tools predict a damaging effect of the variant on protein function. The variant allele was found at a frequency of 0.0002 in 250584 control chromosomes in GnomAD. The observed variant frequency is approximately 8.0 fold of the estimated maximal expected allele frequency for a pathogenic variant in HNF1A causing Maturity Onset Diabetes Of The Young 3 phenotype (2.5e-05), strongly suggesting that the variant is benign. c.521C>T has been reported in the literature in individuals affected with features of Maturity Onset Diabetes Of The Young without strong evidence for causality (example: Bellann-Chantelot_2007, Furuzawa_2008, Colclough_2022, Bonnefond_2020). These reports do not provide unequivocal conclusions about association of the variant with Maturity Onset Diabetes Of The Young 3. To our knowledge, no experimental evidence demonstrating an impact on protein function has been reported. The following publications have been ascertained in the context of this evaluation (PMID: 18003757, 33046911, 34789499, 18672310, 33729509). Two clinical diagnostic laboratories have submitted clinical-significance assessments (likely benign and uncertain significance, respectively) for this variant to ClinVar after 2014 without evidence for independent evaluation. Based on the evidence outlined above, the variant was classified as likely benign.

Genetic Services Laboratory, University of Chicago
Classification: Uncertain significance. Last evaluated: 2017-04-12. Review status: criteria provided, single submitter. Criteria: ACMG Guidelines, 2015. Collection method: clinical testing. Allele origin: germline. Affected: no.

Literature cited by the submitters: PubMed 18003757 (cited by Women's Health and Genetics/Laboratory Corporation of America, LabCorp); PubMed 18672310 (cited by Women's Health and Genetics/Laboratory Corporation of America, LabCorp); PubMed 19228875 (cited by Women's Health and Genetics/Laboratory Corporation of America, LabCorp); PubMed 33046911 (cited by Women's Health and Genetics/Laboratory Corporation of America, LabCorp); PubMed 34789499 (cited by Women's Health and Genetics/Laboratory Corporation of America, LabCorp); PubMed 33729509 (cited by Women's Health and Genetics/Laboratory Corporation of America, LabCorp).